The following is an entry in ClinVar:

ClinVar aggregate classification (germline): Benign/Likely benign. Review status: criteria provided, multiple submitters, no conflicts (2 of 4 stars). 12 submissions from 11 submitters: Benign (8); Likely benign (1). 3 of the submissions do not count toward it. Last evaluated 2026-05-08.

Conditions:
Ellis-van Creveld syndrome (EVC). Also called: Chondroectodermal dysplasia; MESOECTODERMAL DYSPLASIA. Identifiers: Orphanet 289, MedGen C0013903, MONDO:0009162, OMIM 225500.
Curry-Hall syndrome (WAD). Also called: WEYERS ACRODENTAL DYSOSTOSIS. Identifiers: Orphanet 952, MedGen C0457013, MONDO:0008673, OMIM 193530.

Allele frequency attached by ClinVar (database versions not stated): 1000 Genomes Project 30x 0.29997; 1000 Genomes Project 0.30152; ESP Exome Variant Server 0.30801; TOPMed 0.32435.
gnomAD v4.1: 558,112 of 1,613,550 alleles (35%); highest among the groups gnomAD compares: Admixed American, 48%; 99,274 homozygotes.

Submissions (12):

Women's Health and Genetics/Laboratory Corporation of America, LabCorp
Classification: Likely benign. Last evaluated: 2026-05-08. Review status: criteria provided, single submitter. Criteria: LabCorp Variant Classification Summary - May 2015. Collection method: clinical testing. Allele origin: germline.

Labcorp Genetics (formerly Invitae), Labcorp
Classification: Benign for Curry-Hall syndrome; Ellis-van Creveld syndrome. Last evaluated: 2026-02-04. Review status: criteria provided, single submitter. Criteria: Invitae Variant Classification Sherloc (09022015). Collection method: clinical testing. Allele origin: germline.

Blueprint Genetics
Classification: Benign. Last evaluated: 2024-11-26. Review status: criteria provided, single submitter. Criteria: ACMG Guidelines, 2015. Collection method: clinical testing. Allele origin: germline.

Genome-Nilou Lab
Classification: Benign for Curry-Hall syndrome. Last evaluated: 2021-07-30. Review status: criteria provided, single submitter. Criteria: ACMG Guidelines, 2015. Collection method: clinical testing. Allele origin: germline. Affected: no.

Genome-Nilou Lab
Classification: Benign for Ellis-van Creveld syndrome. Last evaluated: 2021-07-30. Review status: criteria provided, single submitter. Criteria: ACMG Guidelines, 2015. Collection method: clinical testing. Allele origin: germline. Affected: no.

Illumina Laboratory Services, Illumina
Classification: Benign for Ellis-van Creveld syndrome. Last evaluated: 2018-01-13. Review status: criteria provided, single submitter. Criteria: ICSL Variant Classification Criteria 13 December 2019. Collection method: clinical testing. Allele origin: germline.
Comment: This variant was observed in the ICSL laboratory as part of a predisposition screen in an ostensibly healthy population. It had not been previously curated by ICSL or reported in the Human Gene Mutation Database (HGMD: prior to June 1st, 2018), and was therefore a candidate for classification through an automated scoring system. Utilizing variant allele frequency, disease prevalence and penetrance estimates, and inheritance mode, an automated score was calculated to assess if this variant is too frequent to cause the disease. Based on the score and internal cut-off values, a variant classified as benign is not then subjected to further curation. The score for this variant resulted in a classification of benign for this disease.

GeneDx
Classification: Benign. Last evaluated: 2016-03-03. Review status: criteria provided, single submitter. Criteria: GeneDx Variant Classification (06012015). Collection method: clinical testing. Allele origin: germline. Affected: yes.
Comment: This variant is considered likely benign or benign based on one or more of the following criteria: it is a conservative change, it occurs at a poorly conserved position in the protein, it is predicted to be benign by multiple in silico algorithms, and/or has population frequency not consistent with disease.

Breakthrough Genomics
Classification: Benign. Review status: criteria provided, single submitter. Criteria: ACMG Guidelines, 2015. Collection method: not provided. Allele origin: germline. Inheritance: Autosomal recessive inheritance. Affected: yes.

PreventionGenetics, part of Exact Sciences
Classification: Benign. Review status: criteria provided, single submitter. Criteria: ACMG Guidelines, 2015. Collection method: clinical testing. Allele origin: germline.

Natera, Inc.
Classification: Benign for Ellis-van Creveld syndrome. Last evaluated: 2020-09-16. Review status: no assertion criteria provided. Collection method: clinical testing. Allele origin: germline. Not counted in ClinVar's aggregate classification.

Diagnostic Laboratory, Department of Genetics, University Medical Center Groningen
Classification: Benign. Review status: no assertion criteria provided. Collection method: clinical testing. Allele origin: germline. Affected: yes. Study: VKGL Data-share Consensus. Not counted in ClinVar's aggregate classification.

Joint Genome Diagnostic Labs from Nijmegen and Maastricht, Radboudumc and MUMC+
Classification: Benign. Review status: no assertion criteria provided. Collection method: clinical testing. Allele origin: germline. Affected: yes. Study: VKGL Data-share Consensus. Not counted in ClinVar's aggregate classification.

NM_153717.3(EVC):c.1727G>A (p.Arg576Gln)

Gene: EVC (EvC ciliary complex subunit 1; plus strand). Cytogenetic location: 4p16.2.
Variant type: single nucleotide variant.
Coding change: c.1727G>A on transcript NM_153717.3 (MANE Select); coding-DNA position 1727, G replaced by A.
Protein change: p.Arg576Gln; replaces arginine 576 with glutamine.
Molecular consequence: missense variant.
Genome position (GRCh38, 1-based): chr4:5,783,715, G>A. VCF-style: chr4-5783715-G-A. GRCh37 (hg19) VCF-style: chr4-5785442-G-A.
Other names: c.1727G>A, p.Arg576Gln (NM_001306090.2); short protein forms R576Q.
Identifiers: ClinVar variation 262768 (VCV000262768.28), dbSNP rs1383180, ClinGen allele CA2836237.